The following is an entry in ClinVar:

NM_000329.3(RPE65):c.246-15T>C

Gene: RPE65 (retinoid isomerohydrolase RPE65; minus strand). Cytogenetic location: 1p31.3.
Variant type: single nucleotide variant.
Coding change: c.246-15T>C on transcript NM_000329.3 (MANE Select); 15 bases into the intron before coding-DNA position 246, T replaced by C.
Molecular consequence: intron variant.
Genome position (GRCh38, 1-based): chr1:68,444,898, A>G on the plus strand (T>C on the coding strand, the complement: RPE65 is on the minus strand). VCF-style: chr1-68444898-A-G. GRCh37 (hg19) VCF-style: chr1-68910581-A-G.
Other names: c.246-15T>C (NM_000329.2, NM_001406859.1, NM_001406860.1); c.-31-15T>C (NM_001406857.1, NM_001406856.1); c.246-226T>C (NM_001406853.1).
Identifiers: ClinVar variation 4793676 (VCV004793676.2).

ClinVar aggregate classification (germline): Likely benign. Review status: criteria provided, multiple submitters, no conflicts (2 of 4 stars). 2 submissions from 2 submitters: Likely benign (2). Last evaluated 2026-07-15.

Conditions:
RPE65-related disorder. Also called: RPE65-related disorders; RPE65-related condition. Identifiers: MedGen CN239301.
Retinitis pigmentosa 20 (RP20). Identifiers: Orphanet 791, MedGen C3151086, MONDO:0013425, OMIM 613794.
Leber congenital amaurosis 2 (LCA2). Also called: Autosomal Recessive RPE65-Related Retinal Degeneration; AMAUROSIS CONGENITA OF LEBER II. Identifiers: Orphanet 65, MedGen C1859844, MONDO:0008765, OMIM 204100. Disease mechanism: loss of function.

Submissions (2):

PreventionGenetics, part of Exact Sciences
Classification: Likely benign for RPE65-related condition. Last evaluated: 2026-07-15. Review status: criteria provided, single submitter. Criteria: ACMG Guidelines, 2015. Collection method: clinical testing. Allele origin: germline.
Comment: This variant is classified as likely benign based on ACMG/AMP sequence variant interpretation guidelines (Richards et al. 2015 PMID: 25741868, with internal and published modifications).

Labcorp Genetics (formerly Invitae), Labcorp
Classification: Likely benign for Leber congenital amaurosis 2; Retinitis pigmentosa 20. Last evaluated: 2025-02-09. Review status: criteria provided, single submitter. Criteria: Invitae Variant Classification Sherloc (09022015). Collection method: clinical testing. Allele origin: germline.